The following is an entry in ClinVar:

NM_000548.5(TSC2):c.1502A>T (p.Asp501Val)

Gene: TSC2 (TSC complex subunit 2; plus strand). Cytogenetic location: 16p13.3.
Variant type: single nucleotide variant.
Coding change: c.1502A>T on transcript NM_000548.5 (MANE Select); coding-DNA position 1502, A replaced by T.
Protein change: p.Asp501Val; replaces aspartic acid 501 with valine.
Molecular consequence: missense variant.
Genome position (GRCh38, 1-based): chr16:2,064,330, A>T. VCF-style: chr16-2064330-A-T. GRCh37 (hg19) VCF-style: chr16-2114331-A-T.
Other names: c.1502A>T, p.Asp501Val (NM_001077183.3, NM_001114382.3, NM_001363528.2 and 3 more transcripts); c.1391A>T, p.Asp464Val (NM_001318827.2); c.1355A>T, p.Asp452Val (NM_001318829.2); c.902A>T, p.Asp301Val (NM_001318831.2); c.1535A>T, p.Asp512Val (NM_001318832.2); short protein forms D301V, D452V, D464V, D501V, D512V.
Identifiers: ClinVar variation 1326828 (VCV001326828.2), dbSNP rs2151189595, ClinGen allele CA394326062.

ClinVar aggregate classification (germline): Uncertain significance (1 of 4 stars; one submission).

Submission:

GeneDx
Classification: Uncertain significance. Last evaluated: 2021-11-28. Review status: criteria provided, single submitter. Criteria: GeneDx Variant Classification Process June 2021. Collection method: clinical testing. Allele origin: germline. Affected: yes.
Comment: Not observed at significant frequency in large population cohorts (Lek et al., 2016); In silico analysis supports that this missense variant has a deleterious effect on protein structure/function; Has not been previously published as pathogenic or benign to our knowledge